The following is an entry in ClinVar:

NM_000257.4(MYH7):c.3575T>G (p.Leu1192Arg)

Gene: MYH7 (myosin heavy chain 7; minus strand). Cytogenetic location: 14q11.2.
Variant type: single nucleotide variant.
Coding change: c.3575T>G on transcript NM_000257.4 (MANE Select); coding-DNA position 3575, T replaced by G.
Protein change: p.Leu1192Arg; replaces leucine 1192 with arginine.
Molecular consequence: missense variant.
Genome position (GRCh38, 1-based): chr14:23,419,996, A>C on the plus strand (T>G on the coding strand, the complement: MYH7 is on the minus strand). VCF-style: chr14-23419996-A-C. GRCh37 (hg19) VCF-style: chr14-23889205-A-C.
Other names: c.3575T>G, p.Leu1192Arg (NM_001407004.1); short protein forms L1192R.
Identifiers: ClinVar variation 1732825 (VCV001732825.3), dbSNP rs2502264263, ClinGen allele CA389043419.

ClinVar aggregate classification (germline): Uncertain significance. Review status: criteria provided, multiple submitters, no conflicts (2 of 4 stars). 2 submissions from 2 submitters: Uncertain significance (2). Last evaluated 2025-03-09.

Conditions:
Hypertrophic cardiomyopathy. Also called: HYPERTROPHIC MYOCARDIOPATHY. Identifiers: Orphanet 217569, MedGen C0007194, MeSH D002312, MONDO:0005045, HP:0001639.
Cardiovascular phenotype. Identifiers: MedGen CN230736.

Submissions (2):

Labcorp Genetics (formerly Invitae), Labcorp
Classification: Uncertain significance for Hypertrophic cardiomyopathy. Last evaluated: 2025-03-09. Review status: criteria provided, single submitter. Criteria: Invitae Variant Classification Sherloc (09022015). Collection method: clinical testing. Allele origin: germline.
Comment: This sequence change replaces leucine, which is neutral and non-polar, with arginine, which is basic and polar, at codon 1192 of the MYH7 protein (p.Leu1192Arg). This variant is not present in population databases (gnomAD no frequency). This variant has not been reported in the literature in individuals affected with MYH7-related conditions. ClinVar contains an entry for this variant (Variation ID: 1732825). Invitae Evidence Modeling of protein sequence and biophysical properties (such as structural, functional, and spatial information, amino acid conservation, physicochemical variation, residue mobility, and thermodynamic stability) indicates that this missense variant is expected to disrupt MYH7 protein function with a positive predictive value of 95%. In summary, the available evidence is currently insufficient to determine the role of this variant in disease. Therefore, it has been classified as a Variant of Uncertain Significance.

Ambry Genetics
Classification: Uncertain significance for Cardiovascular phenotype. Last evaluated: 2022-04-09. Review status: criteria provided, single submitter. Criteria: Ambry Variant Classification Scheme 2023. Collection method: clinical testing. Allele origin: germline.
Comment: The p.L1192R variant (also known as c.3575T>G), located in coding exon 25 of the MYH7 gene, results from a T to G substitution at nucleotide position 3575. The leucine at codon 1192 is replaced by arginine, an amino acid with dissimilar properties. This amino acid position is highly conserved in available vertebrate species. In addition, this alteration is predicted to be deleterious by in silico analysis. Since supporting evidence is limited at this time, the clinical significance of this alteration remains unclear.